The following is an entry in ClinVar:

NM_001130987.2(DYSF):c.6311A>T (p.Tyr2104Phe)

Gene: DYSF (dysferlin; plus strand). Cytogenetic location: 2p13.2.
Variant type: single nucleotide variant.
Coding change: c.6311A>T on transcript NM_001130987.2 (MANE Select); coding-DNA position 6311, A replaced by T.
Protein change: p.Tyr2104Phe; replaces tyrosine 2104 with phenylalanine.
Molecular consequence: missense variant.
Genome position (GRCh38, 1-based): chr2:71,682,667, A>T. VCF-style: chr2-71682667-A-T. GRCh37 (hg19) VCF-style: chr2-71909797-A-T.
Other names: c.6197A>T, p.Tyr2066Phe (NM_001130455.2); c.6152A>T, p.Tyr2051Phe (NM_001130976.2); c.6215A>T, p.Tyr2072Phe (NM_001130977.2); c.6257A>T, p.Tyr2086Phe (NM_001130978.2); c.6287A>T, p.Tyr2096Phe (NM_001130979.2); c.6245A>T, p.Tyr2082Phe (NM_001130980.2); c.6308A>T, p.Tyr2103Phe (NM_001130981.2); c.6290A>T, p.Tyr2097Phe (NM_001130982.2); and 5 more; short protein forms Y2086F, Y2051F, Y2052F, Y2097F, Y2104F, Y2065F, Y2082F, Y2087F.
Identifiers: ClinVar variation 1391110 (VCV001391110.6), dbSNP rs2152972138, ClinGen allele CA347227468.

ClinVar aggregate classification (germline): Uncertain significance (1 of 4 stars; one submission).

Conditions:
Neuromuscular disease caused by qualitative or quantitative defects of dysferlin. Also called: Qualitative or quantitative defects of dysferlin; Dysferlinopathy. Identifiers: Orphanet 207073, MedGen C2931687, MONDO:0016145.

Submission:

Labcorp Genetics (formerly Invitae), Labcorp
Classification: Uncertain significance for Neuromuscular disease caused by qualitative or quantitative defects of dysferlin. Last evaluated: 2024-02-24. Review status: criteria provided, single submitter. Criteria: Invitae Variant Classification Sherloc (09022015). Collection method: clinical testing. Allele origin: germline.
Comment: This sequence change replaces tyrosine, which is neutral and polar, with phenylalanine, which is neutral and non-polar, at codon 2065 of the DYSF protein (p.Tyr2065Phe). This variant is not present in population databases (gnomAD no frequency). This variant has not been reported in the literature in individuals affected with DYSF-related conditions. ClinVar contains an entry for this variant (Variation ID: 1391110). Advanced modeling of protein sequence and biophysical properties (such as structural, functional, and spatial information, amino acid conservation, physicochemical variation, residue mobility, and thermodynamic stability) performed at Invitae indicates that this missense variant is not expected to disrupt DYSF protein function with a negative predictive value of 95%. In summary, the available evidence is currently insufficient to determine the role of this variant in disease. Therefore, it has been classified as a Variant of Uncertain Significance.